The following is an entry in ClinVar:

ClinVar aggregate classification (germline): Uncertain significance. Review status: criteria provided, multiple submitters, no conflicts (2 of 4 stars). 2 submissions from 2 submitters: Uncertain significance (2). Last evaluated 2025-06-27.

Conditions:
Hereditary cancer-predisposing syndrome. Also called: Hereditary neoplastic syndrome; Neoplastic Syndromes, Hereditary; Hereditary Cancer Syndrome; Tumor predisposition. Identifiers: Orphanet 140162, MedGen C0027672, MeSH D009386, MONDO:0015356.
Familial cancer of breast. Also called: BREAST CANCER, FAMILIAL; Hereditary breast cancer; hereditary breast carcinoma. Identifiers: Orphanet 227535, MedGen C0346153, MONDO:0016419, OMIM 114480. Disease mechanism: loss of function.

Allele frequency attached by ClinVar (database versions not stated): gnomAD exomes below 0.00001.
gnomAD v4.1: 1 of 1,603,956 alleles (0.000062%); highest among the groups gnomAD compares: Non-Finnish European, 0.000085%; no homozygotes.

Submissions (2):

Labcorp Genetics (formerly Invitae), Labcorp
Classification: Uncertain significance for Familial cancer of breast. Last evaluated: 2025-06-27. Review status: criteria provided, single submitter. Criteria: Invitae Variant Classification Sherloc (09022015). Collection method: clinical testing. Allele origin: germline.
Comment: This sequence change replaces glycine, which is neutral and non-polar, with arginine, which is basic and polar, at codon 937 of the PALB2 protein (p.Gly937Arg). This variant is not present in population databases (gnomAD no frequency). This variant has not been reported in the literature in individuals affected with PALB2-related conditions. ClinVar contains an entry for this variant (Variation ID: 530131). Invitae Evidence Modeling of protein sequence and biophysical properties (such as structural, functional, and spatial information, amino acid conservation, physicochemical variation, residue mobility, and thermodynamic stability) indicates that this missense variant is expected to disrupt PALB2 protein function with a positive predictive value of 80%. Experimental studies have shown that this missense change affects PALB2 function (PMID: 31757951). In summary, the available evidence is currently insufficient to determine the role of this variant in disease. Therefore, it has been classified as a Variant of Uncertain Significance.

Color Diagnostics, LLC DBA Color Health
Classification: Uncertain significance for Hereditary cancer-predisposing syndrome. Last evaluated: 2020-06-08. Review status: criteria provided, single submitter. Criteria: ACMG Guidelines, 2015. Collection method: clinical testing. Allele origin: germline.
Comment: This missense variant replaces glycine with arginine at codon 937 of the PALB2 protein. Computational prediction suggests that this variant may not impact protein structure and function (internally defined REVEL score threshold <= 0.5, PMID: 27666373). A functional study has shown that this variant causes a decrease in protein expression and a loss of homology-directed DNA repair activity of PALB2 protein (PMID: 31757951). To our knowledge, this variant has not been reported in individuals affected with hereditary cancer in the literature. This variant has not been identified in the general population by the Genome Aggregation Database (gnomAD). The available evidence is insufficient to determine the role of this variant in disease conclusively. Therefore, this variant is classified as a Variant of Uncertain Significance.

Literature cited by the submitters: PubMed 31757951 (cited by Labcorp Genetics (formerly Invitae), Labcorp).

NM_024675.4(PALB2):c.2809G>C (p.Gly937Arg)

Gene: PALB2 (partner and localizer of BRCA2; minus strand). Cytogenetic location: 16p12.2.
Variant type: single nucleotide variant.
Coding change: c.2809G>C on transcript NM_024675.4 (MANE Select); coding-DNA position 2809, G replaced by C.
Protein change: p.Gly937Arg; replaces glycine 937 with arginine.
Molecular consequence: missense variant.
Genome position (GRCh38, 1-based): chr16:23,624,034, C>G on the plus strand (G>C on the coding strand, the complement: PALB2 is on the minus strand). VCF-style: chr16-23624034-C-G. GRCh37 (hg19) VCF-style: chr16-23635355-C-G.
Other names: short protein forms G937R.
Identifiers: ClinVar variation 530131 (VCV000530131.13), dbSNP rs1555459712, ClinGen allele CA395144923.